The following is an entry in ClinVar:

ClinVar aggregate classification (germline): Uncertain significance (1 of 4 stars; one submission).

Allele frequency attached by ClinVar (database versions not stated): gnomAD exomes below 0.00001; ExAC 0.00001.
gnomAD v4.1: 4 of 1,614,170 alleles (0.00025%); highest among the groups gnomAD compares: Admixed American, 0.0017%; no homozygotes.

Submission:

Labcorp Genetics (formerly Invitae), Labcorp
Classification: Uncertain significance. Last evaluated: 2024-03-30. Review status: criteria provided, single submitter. Criteria: Invitae Variant Classification Sherloc (09022015). Collection method: clinical testing. Allele origin: germline.
Comment: This sequence change replaces leucine, which is neutral and non-polar, with valine, which is neutral and non-polar, at codon 454 of the ATRN protein (p.Leu454Val). This variant is present in population databases (rs751143056, gnomAD 0.003%). This variant has not been reported in the literature in individuals affected with ATRN-related conditions. ClinVar contains an entry for this variant (Variation ID: 1347114). An algorithm developed to predict the effect of missense changes on protein structure and function (PolyPhen-2) suggests that this variant is likely to be tolerated. In summary, the available evidence is currently insufficient to determine the role of this variant in disease. Therefore, it has been classified as a Variant of Uncertain Significance.

NM_139321.3(ATRN):c.1360C>G (p.Leu454Val)

Gene: ATRN (attractin; plus strand). Cytogenetic location: 20p13.
Variant type: single nucleotide variant.
Coding change: c.1360C>G on transcript NM_139321.3 (MANE Select); coding-DNA position 1360, C replaced by G.
Protein change: p.Leu454Val; replaces leucine 454 with valine.
Molecular consequence: missense variant.
Genome position (GRCh38, 1-based): chr20:3,560,818, C>G. VCF-style: chr20-3560818-C-G. GRCh37 (hg19) VCF-style: chr20-3541465-C-G.
Other names: c.1012C>G, p.Leu338Val (NM_001207047.3); c.1360C>G, p.Leu454Val (NM_001323332.2, NM_139322.4); short protein forms L338V, L454V.
Identifiers: ClinVar variation 1347114 (VCV001347114.6), dbSNP rs751143056, ClinGen allele CA9744033.